The following is an entry in ClinVar:

ClinVar aggregate classification (germline): Likely pathogenic (1 of 4 stars; one submission).

Conditions:
Pyruvate dehydrogenase E3 deficiency (DLDD). Also called: Dihydrolipoamide Dehydrogenase E3 Deficiency; DLD DEFICIENCY; E3 DEFICIENCY; Dihydrolipoamide Dehydrogenase (E3) Deficiency; Lipoamide dehydrogenase deficiency; MAPLE SYRUP URINE DISEASE, TYPE III. Identifiers: Orphanet 2394, Orphanet 765, MedGen C5574660, MONDO:0009529, OMIM 246900.

Submission:

Myriad Genetics, Inc.
Classification: Likely pathogenic for Pyruvate dehydrogenase E3 deficiency. Last evaluated: 2020-03-29. Review status: criteria provided, single submitter. Criteria: Myriad Women's Health Autosomal Recessive and X-Linked Classification Criteria (2019). Collection method: clinical testing. Allele origin: unknown.
Comment: NM_000108.3(DLD):c.325A>T(R109*) is expected to be pathogenic in the context of dihydrolipoamide dehydrogenase deficiency. This variant is predicted to lead to an abnormal or absent protein product due to the creation of a premature termination codon in DLD, a gene where loss-of-function variants are known to be pathogenic. Please note: this variant was assessed in the context of healthy population screening.

NM_000108.5(DLD):c.325A>T (p.Arg109Ter)

Gene: DLD (dihydrolipoamide dehydrogenase; plus strand). Cytogenetic location: 7q31.1.
Variant type: single nucleotide variant.
Coding change: c.325A>T on transcript NM_000108.5 (MANE Select); coding-DNA position 325, A replaced by T.
Protein change: p.Arg109Ter; replaces arginine 109 with a stop codon.
Molecular consequence: nonsense.
Genome position (GRCh38, 1-based): chr7:107,903,535, A>T. VCF-style: chr7-107903535-A-T. GRCh37 (hg19) VCF-style: chr7-107543980-A-T.
Other names: c.28A>T, p.Arg10Ter (NM_001289750.1); c.256A>T, p.Arg86Ter (NM_001289751.1); c.325A>T, p.Arg109Ter (NM_001289752.1); short protein forms R10*, R109*, R86*.
Identifiers: ClinVar variation 983929 (VCV000983929.3), dbSNP rs2031930307, ClinGen allele CA368855132.
Genomic context (GRCh38, chr7:107,903,535, plus strand): 5'-TAGGCTTTATTGAACAACTCTCATTATTACCATATGGCCCATGGAAAAGATTTTGCATCT[A>T]GAGGAATTGAAAGTAAGTATACTTTTCATGCTTAATGATATTACCAGACTGCTTGACTTG-3'